The following is an entry in ClinVar:

ClinVar aggregate classification (germline): Uncertain significance. Review status: criteria provided, multiple submitters, no conflicts (2 of 4 stars). 2 submissions from 2 submitters: Uncertain significance (2). Last evaluated 2025-08-27.

Conditions:
Hereditary spastic paraplegia 7 (SPG7). Also called: SPASTIC PARAPLEGIA 7, AUTOSOMAL RECESSIVE, WITH OR WITHOUT CEREBELLAR ATAXIA; SPG7-related neurologic disorder; Spastic paraplegia 7; Hereditary spastic paraplegia Paraplegin type; Autosomal recessive spastic paraplegia type 7. Identifiers: Orphanet 99013, MedGen C1846564, MONDO:0011803, OMIM 607259.
Inborn genetic diseases. Identifiers: MedGen C0950123, MeSH D030342.

gnomAD v4.1: 4 of 1,614,202 alleles (0.00025%); highest among the groups gnomAD compares: Admixed American, 0.0033%; no homozygotes.

Submissions (2):

Ambry Genetics
Classification: Uncertain significance for Inborn genetic diseases. Last evaluated: 2025-08-27. Review status: criteria provided, single submitter. Criteria: Ambry Variant Classification Scheme 2023. Collection method: clinical testing. Allele origin: germline.

Labcorp Genetics (formerly Invitae), Labcorp
Classification: Uncertain significance for Hereditary spastic paraplegia 7. Last evaluated: 2024-12-09. Review status: criteria provided, single submitter. Criteria: Invitae Variant Classification Sherloc (09022015). Collection method: clinical testing. Allele origin: germline.
Comment: This sequence change replaces glycine, which is neutral and non-polar, with alanine, which is neutral and non-polar, at codon 305 of the SPG7 protein (p.Gly305Ala). This variant is present in population databases (rs752927361, gnomAD 0.006%). This variant has not been reported in the literature in individuals affected with SPG7-related conditions. Invitae Evidence Modeling of protein sequence and biophysical properties (such as structural, functional, and spatial information, amino acid conservation, physicochemical variation, residue mobility, and thermodynamic stability) indicates that this missense variant is not expected to disrupt SPG7 protein function with a negative predictive value of 80%. In summary, the available evidence is currently insufficient to determine the role of this variant in disease. Therefore, it has been classified as a Variant of Uncertain Significance.

NM_003119.4(SPG7):c.914G>C (p.Gly305Ala)

Gene: SPG7 (SPG7 matrix AAA peptidase subunit, paraplegin; plus strand). Cytogenetic location: 16q24.3.
Variant type: single nucleotide variant.
Coding change: c.914G>C on transcript NM_003119.4 (MANE Select); coding-DNA position 914, G replaced by C.
Protein change: p.Gly305Ala; replaces glycine 305 with alanine.
Molecular consequence: missense variant.
Genome position (GRCh38, 1-based): chr16:89,530,735, G>C. VCF-style: chr16-89530735-G-C. GRCh37 (hg19) VCF-style: chr16-89597143-G-C.
Other names: c.914G>C, p.Gly305Ala (NM_001363850.1, NM_199367.3); c.914G>C (NM_003119.2); short protein forms G305A.
Identifiers: ClinVar variation 3612678 (VCV003612678.3).